The following is an entry in ClinVar:

ClinVar aggregate classification (germline): Pathogenic (1 of 4 stars; one submission).

Submission:

Labcorp Genetics (formerly Invitae), Labcorp
Classification: Pathogenic. Last evaluated: 2022-08-22. Review status: criteria provided, single submitter. Criteria: Invitae Variant Classification Sherloc (09022015). Collection method: clinical testing. Allele origin: germline.
Comment: This sequence change creates a premature translational stop signal (p.Ala845Leufs*17) in the MYO7A gene. It is expected to result in an absent or disrupted protein product. Loss-of-function variants in MYO7A are known to be pathogenic (PMID: 8900236, 25404053). This variant is not present in population databases (gnomAD no frequency). For these reasons, this variant has been classified as Pathogenic. This variant has not been reported in the literature in individuals affected with MYO7A-related conditions.

Literature cited by the submitters: PubMed 8900236; PubMed 25404053.

NM_000260.4(MYO7A):c.2533_2534del (p.Ala845fs)

Gene: MYO7A (myosin VIIA; plus strand). Cytogenetic location: 11q13.5.
Variant type: Deletion.
Coding change: c.2533_2534del on transcript NM_000260.4 (MANE Select); coding-DNA positions 2533 to 2534, 2 bases deleted (GC; older notation c.2533_2534delGC).
Protein change: p.Ala845fs; shifts the reading frame from alanine 845.
Molecular consequence: frameshift variant.
Genome position (GRCh38, 1-based): chr11:77,179,900-77,179,901, GC deleted. VCF-style (leftmost placement, unchanged base first): chr11-77179899-GGC-G. GRCh37 (hg19) VCF-style: chr11-76890945-GGC-G.
Other names: c.2533_2534del, p.Ala845fs (NM_001127180.2); c.2500_2501del, p.Ala834fs (NM_001369365.1); short protein forms A845fs, A834fs.
Identifiers: ClinVar variation 2026392 (VCV002026392.4), dbSNP rs2497177800, ClinGen allele CA2580084909.